The following is an entry in ClinVar:

NM_001378452.1(ITPR1):c.2967+5C>A

Gene: ITPR1 (inositol 1,4,5-trisphosphate receptor type 1; plus strand). Cytogenetic location: 3p26.1.
Variant type: single nucleotide variant.
Coding change: c.2967+5C>A on transcript NM_001378452.1 (MANE Select); 5 bases into the intron after coding-DNA position 2967, C replaced by A.
Molecular consequence: intron variant.
Genome position (GRCh38, 1-based): chr3:4,676,806, C>A. VCF-style: chr3-4676806-C-A. GRCh37 (hg19) VCF-style: chr3-4718490-C-A.
Other names: c.2940+5C>A (NM_001099952.4); c.2922+5C>A (NM_001168272.2); c.2895+5C>A (NM_002222.7).
Identifiers: ClinVar variation 1436508 (VCV001436508.6), dbSNP rs372969151, ClinGen allele CA68823366.

ClinVar aggregate classification (germline): Uncertain significance (1 of 4 stars; one submission).

Allele frequency attached by ClinVar (database versions not stated): gnomAD exomes below 0.00001 and 0.00001; TOPMed 0.00001; ESP Exome Variant Server 0.00008.
gnomAD v4.1: 8 of 1,603,482 alleles (0.0005%); highest among the groups gnomAD compares: Non-Finnish European, 0.00068%; no homozygotes.

Submission:

Labcorp Genetics (formerly Invitae), Labcorp
Classification: Uncertain significance. Last evaluated: 2022-02-05. Review status: criteria provided, single submitter. Criteria: Invitae Variant Classification Sherloc (09022015). Collection method: clinical testing. Allele origin: germline.
Comment: In summary, the available evidence is currently insufficient to determine the role of this variant in disease. Therefore, it has been classified as a Variant of Uncertain Significance. Variants that disrupt the consensus splice site are a relatively common cause of aberrant splicing (PMID: 17576681, 9536098). Algorithms developed to predict the effect of sequence changes on RNA splicing suggest that this variant is not likely to affect RNA splicing. This variant has not been reported in the literature in individuals affected with ITPR1-related conditions. This variant is not present in population databases (gnomAD no frequency). This sequence change falls in intron 23 of the ITPR1 gene. It does not directly change the encoded amino acid sequence of the ITPR1 protein. It affects a nucleotide within the consensus splice site.

Literature cited by the submitters: PubMed 17576681; PubMed 9536098.